The following is an entry in ClinVar:

ClinVar aggregate classification (germline): Uncertain significance. Review status: criteria provided, multiple submitters, no conflicts (2 of 4 stars). 2 submissions from 2 submitters: Uncertain significance (2). Last evaluated 2025-09-16.

Conditions:
Cardiovascular phenotype. Identifiers: MedGen CN230736.
Aortic valve disease 2 (AOVD2). Identifiers: MedGen C3542024, MONDO:0013902, OMIM 614823.

gnomAD v4.1: 1 of 1,613,290 alleles (0.000062%); highest among the groups gnomAD compares: Non-Finnish European, 0.000085%; no homozygotes.

Submissions (2):

Labcorp Genetics (formerly Invitae), Labcorp
Classification: Uncertain significance for Aortic valve disease 2. Last evaluated: 2025-09-16. Review status: criteria provided, single submitter. Criteria: Invitae Variant Classification Sherloc (09022015). Collection method: clinical testing. Allele origin: germline.
Comment: This sequence change replaces phenylalanine, which is neutral and non-polar, with leucine, which is neutral and non-polar, at codon 168 of the TBX5 protein (p.Phe168Leu). This variant is not present in population databases (gnomAD no frequency). This variant has not been reported in the literature in individuals affected with TBX5-related conditions. ClinVar contains an entry for this variant (Variation ID: 3453944). Invitae Evidence Modeling of protein sequence and biophysical properties (such as structural, functional, and spatial information, amino acid conservation, physicochemical variation, residue mobility, and thermodynamic stability) indicates that this missense variant is not expected to disrupt TBX5 protein function with a negative predictive value of 80%. In summary, the available evidence is currently insufficient to determine the role of this variant in disease. Therefore, it has been classified as a Variant of Uncertain Significance.

Ambry Genetics
Classification: Uncertain significance for Cardiovascular phenotype. Last evaluated: 2024-11-22. Review status: criteria provided, single submitter. Criteria: Ambry Variant Classification Scheme 2023. Collection method: clinical testing. Allele origin: germline.

NM_181486.4(TBX5):c.504T>A (p.Phe168Leu)

Gene: TBX5 (T-box transcription factor 5; minus strand). Cytogenetic location: 12q24.21.
Variant type: single nucleotide variant.
Coding change: c.504T>A on transcript NM_181486.4 (MANE Select); coding-DNA position 504, T replaced by A.
Protein change: p.Phe168Leu; replaces phenylalanine 168 with leucine.
Molecular consequence: missense variant.
Genome position (GRCh38, 1-based): chr12:114,398,579, A>T on the plus strand (T>A on the coding strand, the complement: TBX5 is on the minus strand). VCF-style: chr12-114398579-A-T. GRCh37 (hg19) VCF-style: chr12-114836384-A-T.
Other names: c.504T>A, p.Phe168Leu (NM_000192.3); c.354T>A, p.Phe118Leu (NM_080717.4); short protein forms F118L, F168L.
Identifiers: ClinVar variation 3453944 (VCV003453944.2).
Genomic context (GRCh38, chr12:114,398,579, plus strand): 5'-AGGGAGAGAGGACAAGAGGGAGACAAGGCGGGGAATCCAGGCCACGGTACTCACATGCCC[A>T]AATGGGTCCAGGTGGTTGTTGGTGAGCTTGAGTTTCTGGAAGGAGACGAGCTGCCTCATC-3'
Protein context (NP_852259.1, residues 158-178): LKLTNNHLDP[Phe168Leu]GHIILNSMHK